The following is an entry in ClinVar:

ClinVar aggregate classification (germline): Benign (1 of 4 stars; one submission).

Submission:

Unidad de Genómica Garrahan, Hospital de Pediatría Garrahan
Classification: Benign. Last evaluated: 2024-07-31. Review status: criteria provided, single submitter. Criteria: ACMG Guidelines, 2015. Collection method: clinical testing. Allele origin: germline. Affected: no. Observed: 87 variant alleles.
Comment: This variant is classified as Benign based on local population frequency. This variant was detected in 94% of patients studied in a panel designed for Epileptic and Developmental Encephalopathy, Progressive Myoclonus Epilepsy and Abnormal Movements and Neurodegeneration with brain iron accumulation. Number of patients: 87. Only high quality variants are reported.

NM_025000.4(DCAF17):c.838+2066A>T

Gene: DCAF17 (DDB1 and CUL4 associated factor 17; plus strand). Cytogenetic location: 2q31.1.
Variant type: single nucleotide variant.
Coding change: c.838+2066A>T on transcript NM_025000.4 (MANE Select); 2066 bases into the intron after coding-DNA position 838, A replaced by T.
Molecular consequence: intron variant.
Genome position (GRCh38, 1-based): chr2:171,460,543, A>T. VCF-style: chr2-171460543-A-T. GRCh37 (hg19) VCF-style: chr2-172317053-A-T.
Other names: c.838+2066A>T (NM_001164821.2).
Identifiers: ClinVar variation 3256841 (VCV003256841.2).